The following is an entry in ClinVar:

ClinVar aggregate classification (germline): Uncertain significance. Review status: criteria provided, multiple submitters, no conflicts (2 of 4 stars). 2 submissions from 2 submitters: Uncertain significance (2). Last evaluated 2026-01-02.

Conditions:
Hereditary cancer-predisposing syndrome. Also called: Tumor predisposition; Hereditary neoplastic syndrome; Hereditary Cancer Syndrome; Neoplastic Syndromes, Hereditary. Identifiers: Orphanet 140162, MedGen C0027672, MeSH D009386, MONDO:0015356.

Submissions (2):

Ambry Genetics
Classification: Uncertain significance for Hereditary cancer-predisposing syndrome. Last evaluated: 2026-01-02. Review status: criteria provided, single submitter. Criteria: Ambry Variant Classification Scheme 2023. Collection method: clinical testing. Allele origin: germline.
Comment: The p.A2008G variant (also known as c.6023C>G), located in coding exon 15 of the APC gene, results from a C to G substitution at nucleotide position 6023. The alanine at codon 2008 is replaced by glycine, an amino acid with similar properties. This amino acid position is highly conserved in available vertebrate species. Missense variants in APC are not a common cause of disease (Spier I et al. Genet Med. 2024 Feb;26(2):100992). Based on the available evidence, the clinical significance of this variant remains unclear.

Color Diagnostics, LLC DBA Color Health
Classification: Uncertain significance for Hereditary cancer-predisposing syndrome. Last evaluated: 2023-12-04. Review status: criteria provided, single submitter. Criteria: ACMG Guidelines, 2015. Collection method: clinical testing. Allele origin: germline.
Comment: This missense variant replaces alanine with glycine at codon 2008 of the APC protein. Computational prediction suggests that this variant may not impact protein structure and function (internally defined REVEL score threshold <= 0.5, PMID: 27666373). To our knowledge, functional studies have not been reported for this variant. This variant has not been reported in individuals affected with APC-related disorders in the literature. This variant has not been identified in the general population by the Genome Aggregation Database (gnomAD). The available evidence is insufficient to determine the role of this variant in disease conclusively. Therefore, this variant is classified as a Variant of Uncertain Significance.

NM_000038.6(APC):c.6023C>G (p.Ala2008Gly)

Gene: APC (APC regulator of Wnt signaling pathway; plus strand). Cytogenetic location: 5q22.2.
Variant type: single nucleotide variant.
Coding change: c.6023C>G on transcript NM_000038.6 (MANE Select); coding-DNA position 6023, C replaced by G.
Protein change: p.Ala2008Gly; replaces alanine 2008 with glycine.
Molecular consequence: missense variant.
Genome position (GRCh38, 1-based): chr5:112,841,617, C>G. VCF-style: chr5-112841617-C-G. GRCh37 (hg19) VCF-style: chr5-112177314-C-G.
Other names: c.6023C>G, p.Ala2008Gly (NM_001127510.3, NM_001354895.2); c.5969C>G, p.Ala1990Gly (NM_001127511.3); c.6077C>G, p.Ala2026Gly (NM_001354896.2); c.6053C>G, p.Ala2018Gly (NM_001354897.2); c.5948C>G, p.Ala1983Gly (NM_001354898.2); c.5939C>G, p.Ala1980Gly (NM_001354899.2); c.5900C>G, p.Ala1967Gly (NM_001354900.2); c.5846C>G, p.Ala1949Gly (NM_001354901.2); and 5 more; short protein forms A1983G, A1990G, A2018G, A1917G, A1967G, A2026G, A1848G, A1725G.
Identifiers: ClinVar variation 921921 (VCV000921921.5), dbSNP rs1766118292, ClinGen allele CA16034512.